The following is an entry in ClinVar:

ClinVar aggregate classification (germline): Uncertain significance (1 of 4 stars; one submission).

Conditions:
Inborn genetic diseases. Identifiers: MedGen C0950123, MeSH D030342.

Allele frequency attached by ClinVar (database versions not stated): TOPMed below 0.00001.
gnomAD v4.1: 8 of 1,573,108 alleles (0.00051%); highest among the groups gnomAD compares: Admixed American, 0.0018%; no homozygotes.

Submission:

Ambry Genetics
Classification: Uncertain significance for Inborn genetic diseases. Last evaluated: 2020-11-25. Review status: criteria provided, single submitter. Criteria: Ambry Variant Classification Scheme 2023. Collection method: clinical testing. Allele origin: germline.
Comment: The c.6743G>A (p.R2248H) alteration is located in exon 31 (coding exon 31) of the KMT2D gene. This alteration results from a G to A substitution at nucleotide position 6743, causing the arginine (R) at amino acid position 2248 to be replaced by a histidine (H). Based on data from the Genome Aggregation Database (gnomAD), the KMT2D c.6743G>A alteration was not observed, with coverage at this position. The p.R2248 amino acid is not conserved in available vertebrate species. The p.R2248H alteration is predicted to be tolerated by in silico analysis. Based on insufficient or conflicting evidence, the clinical significance of this alteration remains unclear.

NM_003482.4(KMT2D):c.6743G>A (p.Arg2248His)

Gene: KMT2D (lysine methyltransferase 2D; minus strand). Cytogenetic location: 12q13.12.
Variant type: single nucleotide variant.
Coding change: c.6743G>A on transcript NM_003482.4 (MANE Select); coding-DNA position 6743, G replaced by A.
Protein change: p.Arg2248His; replaces arginine 2248 with histidine.
Molecular consequence: missense variant.
Genome position (GRCh38, 1-based): chr12:49,041,027, C>T on the plus strand (G>A on the coding strand, the complement: KMT2D is on the minus strand). VCF-style: chr12-49041027-C-T. GRCh37 (hg19) VCF-style: chr12-49434810-C-T.
Other names: short protein forms R2248H.
Identifiers: ClinVar variation 2228063 (VCV002228063.2), dbSNP rs1228231026, ClinGen allele CA384749838.